The following is an entry in ClinVar:

NM_004525.3(LRP2):c.393A>C (p.Arg131Ser)

Gene: LRP2 (LDL receptor related protein 2; minus strand). Cytogenetic location: 2q31.1.
Variant type: single nucleotide variant.
Coding change: c.393A>C on transcript NM_004525.3 (MANE Select); coding-DNA position 393, A replaced by C.
Protein change: p.Arg131Ser; replaces arginine 131 with serine.
Molecular consequence: missense variant.
Genome position (GRCh38, 1-based): chr2:169,307,315, T>G on the plus strand (A>C on the coding strand, the complement: LRP2 is on the minus strand). VCF-style: chr2-169307315-T-G. GRCh37 (hg19) VCF-style: chr2-170163825-T-G.
Other names: short protein forms R131S.
Identifiers: ClinVar variation 1449951 (VCV001449951.3), dbSNP rs945121597, ClinGen allele CA59955728.

ClinVar aggregate classification (germline): Uncertain significance (1 of 4 stars; one submission).

Allele frequency attached by ClinVar (database versions not stated): gnomAD exomes below 0.00001.
gnomAD v4.1: 3 of 1,613,956 alleles (0.00019%); highest among the groups gnomAD compares: Non-Finnish European, 0.00017%; no homozygotes.

Submission:

Labcorp Genetics (formerly Invitae), Labcorp
Classification: Uncertain significance. Last evaluated: 2021-07-27. Review status: criteria provided, single submitter. Criteria: Invitae Variant Classification Sherloc (09022015). Collection method: clinical testing. Allele origin: germline.
Comment: This sequence change replaces arginine with serine at codon 131 of the LRP2 protein (p.Arg131Ser). The arginine residue is weakly conserved and there is a moderate physicochemical difference between arginine and serine. This variant is not present in population databases (ExAC no frequency). This variant has not been reported in the literature in individuals affected with LRP2-related conditions. Advanced modeling of protein sequence and biophysical properties (such as structural, functional, and spatial information, amino acid conservation, physicochemical variation, residue mobility, and thermodynamic stability) performed at Invitae indicates that this missense variant is not expected to disrupt LRP2 protein function. In summary, the available evidence is currently insufficient to determine the role of this variant in disease. Therefore, it has been classified as a Variant of Uncertain Significance.